The following is an entry in ClinVar:

NM_199355.4(ADAMTS18):c.2271C>T (p.Asn757=)

Gene: ADAMTS18 (ADAM metallopeptidase with thrombospondin type 1 motif 18; minus strand). Cytogenetic location: 16q23.1.
Variant type: single nucleotide variant.
Coding change: c.2271C>T on transcript NM_199355.4 (MANE Select); coding-DNA position 2271, C replaced by T.
Protein change: p.Asn757=; no amino-acid change (asparagine 757 retained).
Molecular consequence: synonymous variant.
Genome position (GRCh38, 1-based): chr16:77,321,095, G>A on the plus strand (C>T on the coding strand, the complement: ADAMTS18 is on the minus strand). VCF-style: chr16-77321095-G-A. GRCh37 (hg19) VCF-style: chr16-77354992-G-A.
Other names: c.1755C>T, p.Asn585= (NM_001326358.2).
Identifiers: ClinVar variation 2113964 (VCV002113964.4), dbSNP rs2543647702, ClinGen allele CA496588402.
Genomic context (GRCh38, chr16:77,321,095, plus strand): 5'-AAAGTTGTATCTCATTAACAATAACAAACAGCAGCATCTCTCACCATTTGCTTTATGCTG[G>A]TTGAGGTACAGGCCTTTATAAAACTTGCAAGTTGAATTATCACCTTTGCAAACGCCACAA-3'
Protein context (NP_955387.1, residues 747-767): TCKFYKGLYL[Asn757=]QHKANEYYPV

ClinVar aggregate classification (germline): Uncertain significance (1 of 4 stars; one submission).

gnomAD v4.1: 1 of 1,614,154 alleles (0.000062%); highest among the groups gnomAD compares: East Asian, 0.0022%; no homozygotes.

Submission:

Labcorp Genetics (formerly Invitae), Labcorp
Classification: Uncertain significance. Last evaluated: 2022-03-18. Review status: criteria provided, single submitter. Criteria: Invitae Variant Classification Sherloc (09022015). Collection method: clinical testing. Allele origin: germline.
Comment: In summary, the available evidence is currently insufficient to determine the role of this variant in disease. Therefore, it has been classified as a Variant of Uncertain Significance. Algorithms developed to predict the effect of sequence changes on RNA splicing suggest that this variant may disrupt the consensus splice site. This variant has not been reported in the literature in individuals affected with ADAMTS18-related conditions. This variant is not present in population databases (gnomAD no frequency). This sequence change affects codon 757 of the ADAMTS18 mRNA. It is a 'silent' change, meaning that it does not change the encoded amino acid sequence of the ADAMTS18 protein.